The following is an entry in ClinVar:

NM_004990.4(MARS1):c.1873C>T (p.Arg625Trp)

Gene: MARS1 (methionyl-tRNA synthetase 1; plus strand). Cytogenetic location: 12q13.3.
Variant type: single nucleotide variant.
Coding change: c.1873C>T on transcript NM_004990.4 (MANE Select); coding-DNA position 1873, C replaced by T.
Protein change: p.Arg625Trp; replaces arginine 625 with tryptophan.
Molecular consequence: missense variant.
Genome position (GRCh38, 1-based): chr12:57,512,870, C>T. VCF-style: chr12-57512870-C-T. GRCh37 (hg19) VCF-style: chr12-57906653-C-T.
Other names: MARS1, ARG625TRP (rs754546247); short protein forms R625W.
Identifiers: ClinVar variation 917127 (VCV000917127.8), dbSNP rs754546247, ClinGen allele CA6650642.

ClinVar aggregate classification (germline): Uncertain significance. Review status: criteria provided, multiple submitters, no conflicts (2 of 4 stars). 6 submissions from 6 submitters: Uncertain significance (3). 3 of the submissions do not count toward it. Last evaluated 2026-05-01.

Conditions:
MARS1-related disorder. Also called: MARS1-related condition.
Autosomal recessive spastic paraplegia type 70 (SPG70). Identifiers: Orphanet 401835, MedGen C4749431, MONDO:0018422, OMIM 620323.
Charcot-Marie-Tooth disease. Also called: Charcot-Marie-Tooth Neuropathy; Charcot-Marie-Tooth Hereditary Neuropathy. Identifiers: Orphanet 166, MedGen C0007959, MONDO:0015626.
Severe early-onset pulmonary alveolar proteinosis due to MARS deficiency. Also called: PULMONARY ALVEOLAR PROTEINOSIS, REUNION ISLAND; Interstitial lung and liver disease. Identifiers: Orphanet 440427, MedGen C4225400, MONDO:0014206, OMIM 615486.
Charcot-Marie-Tooth disease axonal type 2U. Also called: CHARCOT-MARIE-TOOTH NEUROPATHY, TYPE 2U; CHARCOT-MARIE-TOOTH DISEASE, AXONAL, AUTOSOMAL DOMINANT, TYPE 2U. Identifiers: Orphanet 397735, MedGen C4084821, MONDO:0014566, OMIM 616280.

Allele frequency attached by ClinVar (database versions not stated): ExAC 0.00002; gnomAD 0.00002; gnomAD exomes 0.00002; TOPMed 0.00002.
gnomAD v4.1: 31 of 1,614,090 alleles (0.0019%); highest among the groups gnomAD compares: South Asian, 0.0055%; no homozygotes.

Submissions (6):

PreventionGenetics, part of Exact Sciences
Classification: Uncertain significance for MARS1-related condition. Last evaluated: 2026-05-01. Review status: criteria provided, single submitter. Criteria: ACMG Guidelines, 2015. Collection method: clinical testing. Allele origin: germline.
Comment: The MARS1 c.1873C>T variant is predicted to result in the amino acid substitution p.Arg625Trp. This variant has been reported as a variant of uncertain significance in the compound heterozygous state with another variant of uncertain significance in MARS1 in two siblings with microcephaly, intellectual disability and spastic paraplegia (Okamoto et al. 2022. PubMed ID: 34585293). This variant is reported in 0.0092% of alleles in individuals of European (Finnish) descent in gnomAD. At this time, the clinical significance of this variant is uncertain due to the absence of conclusive functional and genetic evidence.

Labcorp Genetics (formerly Invitae), Labcorp
Classification: Uncertain significance for Charcot-Marie-Tooth disease axonal type 2U; Severe early-onset pulmonary alveolar proteinosis due to MARS deficiency. Last evaluated: 2023-12-08. Review status: criteria provided, single submitter. Criteria: Invitae Variant Classification Sherloc (09022015). Collection method: clinical testing. Allele origin: germline.
Comment: This sequence change replaces arginine, which is basic and polar, with tryptophan, which is neutral and slightly polar, at codon 625 of the MARS protein (p.Arg625Trp). This variant is present in population databases (rs754546247, gnomAD 0.009%). This missense change has been observed in individual(s) with aminoacyl‑tRNA synthetase abnormalities (PMID: 34585293). ClinVar contains an entry for this variant (Variation ID: 917127). An algorithm developed to predict the effect of missense changes on protein structure and function (PolyPhen-2) suggests that this variant is likely to be disruptive. In summary, the available evidence is currently insufficient to determine the role of this variant in disease. Therefore, it has been classified as a Variant of Uncertain Significance.

Molecular Genetics Laboratory, London Health Sciences Centre
Classification: Uncertain significance for Charcot-Marie-Tooth disease. Review status: criteria provided, single submitter. Criteria: ACMG Guidelines, 2015. Collection method: clinical testing. Allele origin: germline. Affected: yes.

OMIM
Classification: Pathogenic for SPASTIC PARAPLEGIA 70, AUTOSOMAL RECESSIVE. Last evaluated: 2023-04-19. Review status: no assertion criteria provided. Collection method: literature only. Allele origin: germline. Not counted in ClinVar's aggregate classification.

Clinical Genetics DNA and cytogenetics Diagnostics Lab, Erasmus MC, Erasmus Medical Center
Classification: Uncertain significance. Review status: no assertion criteria provided. Collection method: clinical testing. Allele origin: germline. Affected: yes. Study: VKGL Data-share Consensus. Not counted in ClinVar's aggregate classification.

Diagnostic Laboratory, Department of Genetics, University Medical Center Groningen
Classification: Uncertain significance. Review status: no assertion criteria provided. Collection method: clinical testing. Allele origin: germline. Affected: yes. Study: VKGL Data-share Consensus. Not counted in ClinVar's aggregate classification.

Literature cited by the submitters: PubMed 34585293 (cited by Labcorp Genetics (formerly Invitae), Labcorp and OMIM).